The following is an entry in ClinVar:

ClinVar aggregate classification (germline): Uncertain significance (1 of 4 stars; one submission).

gnomAD v4.1: 1 of 1,612,880 alleles (0.000062%); highest among the groups gnomAD compares: Non-Finnish European, 0.000085%; no homozygotes.

Submission:

Labcorp Genetics (formerly Invitae), Labcorp
Classification: Uncertain significance. Last evaluated: 2022-03-11. Review status: criteria provided, single submitter. Criteria: Invitae Variant Classification Sherloc (09022015). Collection method: clinical testing. Allele origin: germline.
Comment: In summary, the available evidence is currently insufficient to determine the role of this variant in disease. Therefore, it has been classified as a Variant of Uncertain Significance. Algorithms developed to predict the effect of missense changes on protein structure and function (SIFT, PolyPhen-2, Align-GVGD) all suggest that this variant is likely to be tolerated. This variant has not been reported in the literature in individuals affected with NFKB1-related conditions. This variant is not present in population databases (gnomAD no frequency). This sequence change replaces alanine, which is neutral and non-polar, with aspartic acid, which is acidic and polar, at codon 177 of the NFKB1 protein (p.Ala177Asp).

NM_003998.4(NFKB1):c.530C>A (p.Ala177Asp)

Gene: NFKB1 (nuclear factor kappa B subunit 1; plus strand). Cytogenetic location: 4q24.
Variant type: single nucleotide variant.
Coding change: c.530C>A on transcript NM_003998.4 (MANE Select); coding-DNA position 530, C replaced by A.
Protein change: p.Ala177Asp; replaces alanine 177 with aspartic acid.
Molecular consequence: missense variant.
Genome position (GRCh38, 1-based): chr4:102,576,998, C>A. VCF-style: chr4-102576998-C-A. GRCh37 (hg19) VCF-style: chr4-103498155-C-A.
Other names: c.527C>A, p.Ala176Asp (NM_001165412.2, NM_001319226.2, NM_001382627.1); c.530C>A, p.Ala177Asp (NM_001382625.1, NM_001382626.1); c.488C>A, p.Ala163Asp (NM_001382628.1); short protein forms A177D, A163D, A176D.
Identifiers: ClinVar variation 2109223 (VCV002109223.4), dbSNP rs2476403541, ClinGen allele CA357959309.